The following is an entry in ClinVar:

ClinVar aggregate classification (germline): Uncertain significance (1 of 4 stars; one submission).

Conditions:
BAP1-related tumor predisposition syndrome (TPDS1). Also called: COMMON Syndrome; TUMOR PREDISPOSITION SYNDROME 1; BAP1 tumor predisposition syndrome; Tumor susceptibility linked to germline BAP1 mutations. Identifiers: Orphanet 289539, MedGen C3280492, MONDO:0013692, OMIM 614327.

Submission:

Labcorp Genetics (formerly Invitae), Labcorp
Classification: Uncertain significance for BAP1-related tumor predisposition syndrome. Last evaluated: 2020-12-10. Review status: criteria provided, single submitter. Criteria: Invitae Variant Classification Sherloc (09022015). Collection method: clinical testing. Allele origin: germline.
Comment: Algorithms developed to predict the effect of missense changes on protein structure and function are either unavailable or do not agree on the potential impact of this missense change (SIFT: "Deleterious"; PolyPhen-2: "Probably Damaging"; Align-GVGD: "Class C15"). In summary, the available evidence is currently insufficient to determine the role of this variant in disease. Therefore, it has been classified as a Variant of Uncertain Significance. This variant has not been reported in the literature in individuals with BAP1-related conditions. This variant is not present in population databases (ExAC no frequency). This sequence change replaces lysine with asparagine at codon 711 of the BAP1 protein (p.Lys711Asn). The lysine residue is highly conserved and there is a moderate physicochemical difference between lysine and asparagine.

NM_004656.4(BAP1):c.2133G>T (p.Lys711Asn)

Gene: BAP1 (BRCA1 associated deubiquitinase 1; minus strand). Cytogenetic location: 3p21.1.
Variant type: single nucleotide variant.
Coding change: c.2133G>T on transcript NM_004656.4 (MANE Select); coding-DNA position 2133, G replaced by T.
Protein change: p.Lys711Asn; replaces lysine 711 with asparagine.
Molecular consequence: missense variant.
Genome position (GRCh38, 1-based): chr3:52,402,345, C>A on the plus strand (G>T on the coding strand, the complement: BAP1 is on the minus strand). VCF-style: chr3-52402345-C-A. GRCh37 (hg19) VCF-style: chr3-52436361-C-A.
Other names: short protein forms K711N.
Identifiers: ClinVar variation 1355496 (VCV001355496.8), dbSNP rs2153226098, ClinGen allele CA353094203.